The following is an entry in ClinVar:

NM_001206744.2(TPO):c.980C>A (p.Ser327Tyr)

Gene: TPO (thyroid peroxidase; plus strand). Cytogenetic location: 2p25.3.
Variant type: single nucleotide variant.
Coding change: c.980C>A on transcript NM_001206744.2 (MANE Select); coding-DNA position 980, C replaced by A.
Protein change: p.Ser327Tyr; replaces serine 327 with tyrosine.
Molecular consequence: missense variant. On other transcripts: intron variant (1).
Genome position (GRCh38, 1-based): chr2:1,477,246, C>A. VCF-style: chr2-1477246-C-A. GRCh37 (hg19) VCF-style: chr2-1481018-C-A.
Other names: c.980C>A, p.Ser327Tyr (NM_000547.6, NM_001206745.2, NM_175719.4 and 1 more transcripts); c.820-7350C>A (NM_175722.3); short protein forms S327Y.
Identifiers: ClinVar variation 4999470 (VCV004999470.1).
Genomic context (GRCh38, chr2:1,477,246, plus strand): 5'-ACCTGTCCACGGCCAACCCGCGGCAGCAGATGAACGGGTTGACCTCGTTCCTGGACGCGT[C>A]CACCGTGTATGGCAGCTCCCCGGCCCTAGAGAGGCAGCTGCGGAACTGGACCAGTGCCGA-3'
Protein context (NP_001193673.1, residues 317-337): MNGLTSFLDA[Ser327Tyr]TVYGSSPALE

ClinVar aggregate classification (germline): Uncertain significance (1 of 4 stars; one submission).

Conditions:
TPO-related disorder. Also called: TPO-related condition.

gnomAD v4.1: 1 of 1,608,104 alleles (0.000062%); highest among the groups gnomAD compares: Non-Finnish European, 0.000085%; no homozygotes.

Submission:

PreventionGenetics, part of Exact Sciences
Classification: Uncertain significance for TPO-related condition. Last evaluated: 2025-03-26. Review status: criteria provided, single submitter. Criteria: ACMG Guidelines, 2015. Collection method: clinical testing. Allele origin: germline.
Comment: The TPO c.980C>A variant is predicted to result in the amino acid substitution p.Ser327Tyr. To our knowledge, this variant has not been reported in the literature or in a large population database (gnomAD), indicating this variant is rare. At this time, the clinical significance of this variant is uncertain due to the absence of conclusive functional and genetic evidence.